The following is an entry in ClinVar:

NM_000280.4(PAX6):c.*3885G>T

Genes: ELP4 (elongator acetyltransferase complex subunit 4; plus strand), PAX6 (paired box 6; minus strand). Cytogenetic location: 11p13.
Variant type: single nucleotide variant.
Coding change: c.*3885G>T on transcript NM_000280.4; 3885 bases downstream of the stop codon, G replaced by T.
Molecular consequence: 3 prime UTR variant (on NM_019040.5).
Genome position (GRCh38, 1-based): chr11:31,786,049, C>A on the plus strand (G>T on the coding strand, the complement: PAX6 is on the minus strand). VCF-style: chr11-31786049-C-A. GRCh37 (hg19) VCF-style: chr11-31807597-C-A.
Other names: c.*2511C>A (NM_001288725.2); c.*2620C>A (NM_001288726.2); c.*2525C>A (NM_019040.5).
Identifiers: ClinVar variation 304303 (VCV000304303.9), dbSNP rs183433948, ClinGen allele CA10638284.

ClinVar aggregate classification (germline): Benign/Likely benign. Review status: criteria provided, multiple submitters, no conflicts (2 of 4 stars). 6 submissions from 2 submitters: Benign (4); Likely benign (2). Last evaluated 2018-01-12.

Conditions:
Foveal hypoplasia 1. Also called: FOVEAL HYPOPLASIA 1 WITH OR WITHOUT ANTERIOR SEGMENT ANOMALIES AND/OR CATARACT; FOVEAL HYPOPLASIA 1 WITH ANTERIOR SEGMENT ANOMALIES. Identifiers: Orphanet 2253, MedGen C3805604, MONDO:0007628, OMIM 136520.
carboxymethyl-dextran-A2-gadolinium-DOTA.
Anophthalmia-microphthalmia syndrome. Also called: Anophthalmia/Microphthalmia; Anophthalmia - microphthalmia. Identifiers: Orphanet 98555, MedGen C5680330, MONDO:0020147.
11p partial monosomy syndrome (WAGR). Also called: WAGR Spectrum Disorder; WAGR syndrome; WAGR Complex; CHROMOSOME 11p13 DELETION SYNDROME. Identifiers: Orphanet 893, MedGen C0206115, MONDO:0008681, OMIM 194072.
Autosomal dominant keratitis. Also called: Keratitis, hereditary. Identifiers: Orphanet 2334, MedGen C1835698, MONDO:0007848, OMIM 148190.

Allele frequency attached by ClinVar (database versions not stated): TOPMed 0.00094; 1000 Genomes Project 0.00060; gnomAD 0.00096 and 0.00089; 1000 Genomes Project 30x 0.00078; gnomAD exomes 0.00104.
gnomAD v4.1: 194 of 204,814 alleles (0.095%); highest among the groups gnomAD compares: Admixed American, 0.21%; no homozygotes.

Submissions (6):

Illumina Laboratory Services, Illumina
Classification: Benign for Wilms tumor, aniridia, genitourinary anomalies, and mental retardation syndrome. Last evaluated: 2018-01-12. Review status: criteria provided, single submitter. Criteria: ICSL Variant Classification Criteria 13 December 2019. Collection method: clinical testing. Allele origin: germline.
Comment: This variant was observed in the ICSL laboratory as part of a predisposition screen in an ostensibly healthy population. It had not been previously curated by ICSL or reported in the Human Gene Mutation Database (HGMD: prior to June 1st, 2018), and was therefore a candidate for classification through an automated scoring system. Utilizing variant allele frequency, disease prevalence and penetrance estimates, and inheritance mode, an automated score was calculated to assess if this variant is too frequent to cause the disease. Based on the score and internal cut-off values, a variant classified as benign is not then subjected to further curation. The score for this variant resulted in a classification of benign for this disease.

Illumina Laboratory Services, Illumina
Classification: Benign for Autosomal dominant keratitis. Last evaluated: 2018-01-12. Review status: criteria provided, single submitter. Criteria: ICSL Variant Classification Criteria 13 December 2019. Collection method: clinical testing. Allele origin: germline.
Comment: the same text as in the submission from Illumina Laboratory Services, Illumina above.

Illumina Laboratory Services, Illumina
Classification: Likely benign for Anophthalmia-microphthalmia syndrome. Last evaluated: 2018-01-12. Review status: criteria provided, single submitter. Criteria: ICSL Variant Classification Criteria 13 December 2019. Collection method: clinical testing. Allele origin: germline.
Comment: This variant was observed in the ICSL laboratory as part of a predisposition screen in an ostensibly healthy population. It had not been previously curated by ICSL or reported in the Human Gene Mutation Database (HGMD: prior to June 1st, 2018), and was therefore a candidate for classification through an automated scoring system. Utilizing variant allele frequency, disease prevalence and penetrance estimates, and inheritance mode, an automated score was calculated to assess if this variant is too frequent to cause the disease. Based on the score and internal cut-off values, a variant classified as likely benign is not then subjected to further curation. The score for this variant resulted in a classification of likely benign for this disease.

Illumina Laboratory Services, Illumina
Classification: Benign for Foveal hypoplasia 1. Last evaluated: 2018-01-12. Review status: criteria provided, single submitter. Criteria: ICSL Variant Classification Criteria 13 December 2019. Collection method: clinical testing. Allele origin: germline.
Comment: the same text as in the submission from Illumina Laboratory Services, Illumina above.

Illumina Laboratory Services, Illumina
Classification: Benign for carboxymethyl-dextran-A2-gadolinium-DOTA. Last evaluated: 2018-01-12. Review status: criteria provided, single submitter. Criteria: ICSL Variant Classification Criteria 13 December 2019. Collection method: clinical testing. Allele origin: germline.
Comment: the same text as in the submission from Illumina Laboratory Services, Illumina above.

Breakthrough Genomics
Classification: Likely benign. Review status: criteria provided, single submitter. Criteria: ACMG Guidelines, 2015. Collection method: not provided. Allele origin: germline. Inheritance: Autosomal dominant inheritance. Affected: yes.